The following is an entry in ClinVar:

NM_173076.3(ABCA12):c.6181T>A (p.Phe2061Ile)

Genes: SNHG31 (small nucleolar RNA host gene 31; plus strand), ABCA12 (ATP binding cassette subfamily A member 12; minus strand). Cytogenetic location: 2q35.
Variant type: single nucleotide variant.
Coding change: c.6181T>A on transcript NM_173076.3 (MANE Select); coding-DNA position 6181, T replaced by A.
Protein change: p.Phe2061Ile; replaces phenylalanine 2061 with isoleucine.
Molecular consequence: missense variant. On other transcripts: non-coding transcript variant (1).
Genome position (GRCh38, 1-based): chr2:214,956,715, A>T on the plus strand (T>A on the coding strand, the complement: ABCA12 is on the minus strand). VCF-style: chr2-214956715-A-T. GRCh37 (hg19) VCF-style: chr2-215821439-A-T.
Other names: c.5227T>A, p.Phe1743Ile (NM_015657.4); short protein forms F1743I, F2061I.
Identifiers: ClinVar variation 1307380 (VCV001307380.3), dbSNP rs974596913, ClinGen allele CA64800035.

ClinVar aggregate classification (germline): Uncertain significance. Review status: criteria provided, multiple submitters, no conflicts (2 of 4 stars). 2 submissions from 2 submitters: Uncertain significance (2). Last evaluated 2024-12-31.

Conditions:
Inborn genetic diseases. Identifiers: MedGen C0950123, MeSH D030342.

Allele frequency attached by ClinVar (database versions not stated): gnomAD exomes below 0.00001.
gnomAD v4.1: 1 of 1,613,804 alleles (0.000062%); highest among the groups gnomAD compares: Non-Finnish European, 0.000085%; no homozygotes.

Submissions (2):

Ambry Genetics
Classification: Uncertain significance for Inborn genetic diseases. Last evaluated: 2024-12-31. Review status: criteria provided, single submitter. Criteria: Ambry Variant Classification Scheme 2023. Collection method: clinical testing. Allele origin: germline.

GeneDx
Classification: Uncertain significance. Last evaluated: 2019-08-06. Review status: criteria provided, single submitter. Criteria: GeneDx Variant Classification Process June 2021. Collection method: clinical testing. Allele origin: germline. Affected: yes.
Comment: Not observed at a significant frequency in large population cohorts (Lek et al., 2016); In silico analysis, which includes protein predictors and evolutionary conservation, supports a deleterious effect; Has not been previously published as pathogenic or benign to our knowledge